The following is an entry in ClinVar:

NM_004544.4(NDUFA10):c.565G>A (p.Glu189Lys)

Gene: NDUFA10 (NADH:ubiquinone oxidoreductase subunit A10; minus strand). Cytogenetic location: 2q37.3.
Variant type: single nucleotide variant.
Coding change: c.565G>A on transcript NM_004544.4 (MANE Select); coding-DNA position 565, G replaced by A.
Protein change: p.Glu189Lys; replaces glutamic acid 189 with lysine.
Molecular consequence: missense variant. On other transcripts: non-coding transcript variant (4).
Genome position (GRCh38, 1-based): chr2:240,014,843, C>T on the plus strand (G>A on the coding strand, the complement: NDUFA10 is on the minus strand). VCF-style: chr2-240014843-C-T. GRCh37 (hg19) VCF-style: chr2-240954260-C-T.
Other names: c.565G>A, p.Glu189Lys (NM_001322019.2, NM_001322020.2, NM_001410987.1); short protein forms E189K.
Identifiers: ClinVar variation 1923570 (VCV001923570.5), dbSNP rs1559397087, ClinGen allele CA351272944.

ClinVar aggregate classification (germline): Uncertain significance (1 of 4 stars; one submission).

gnomAD v4.1: 5 of 1,614,098 alleles (0.00031%); highest among the groups gnomAD compares: South Asian, 0.0011%; no homozygotes.

Submission:

Labcorp Genetics (formerly Invitae), Labcorp
Classification: Uncertain significance. Last evaluated: 2022-07-19. Review status: criteria provided, single submitter. Criteria: Invitae Variant Classification Sherloc (09022015). Collection method: clinical testing. Allele origin: germline.
Comment: In summary, the available evidence is currently insufficient to determine the role of this variant in disease. Therefore, it has been classified as a Variant of Uncertain Significance. Algorithms developed to predict the effect of missense changes on protein structure and function are either unavailable or do not agree on the potential impact of this missense change (SIFT: "Tolerated"; PolyPhen-2: "Possibly Damaging"; Align-GVGD: "Class C0"). This variant has not been reported in the literature in individuals affected with NDUFA10-related conditions. This variant is not present in population databases (gnomAD no frequency). This sequence change replaces glutamic acid, which is acidic and polar, with lysine, which is basic and polar, at codon 189 of the NDUFA10 protein (p.Glu189Lys).